The following is an entry in ClinVar:

NM_182961.4(SYNE1):c.17053A>G (p.Lys5685Glu)

Genes: SYNE1 (spectrin repeat containing nuclear envelope protein 1; minus strand), LOC126859837 (BRD4-independent group 4 enhancer GRCh37_chr6:152630775-152631974; plus strand). Cytogenetic location: 6q25.2.
Variant type: single nucleotide variant.
Coding change: c.17053A>G on transcript NM_182961.4 (MANE Select); coding-DNA position 17053, A replaced by G.
Protein change: p.Lys5685Glu; replaces lysine 5685 with glutamic acid.
Molecular consequence: missense variant.
Genome position (GRCh38, 1-based): chr6:152,309,984, T>C on the plus strand (A>G on the coding strand, the complement: SYNE1 is on the minus strand). VCF-style: chr6-152309984-T-C. GRCh37 (hg19) VCF-style: chr6-152631119-T-C.
Other names: c.16840A>G, p.Lys5614Glu (NM_033071.5); short protein forms K5685E, K5614E.
Identifiers: ClinVar variation 2094779 (VCV002094779.4), dbSNP rs756501077, ClinGen allele CA4055348.
Genomic context (GRCh38, chr6:152,309,984, plus strand): 5'-TGGCAACCACATCCTCGGGGATCCGGAGGGCACTCTGGCAGAGCTGCACTGCTTGCACCT[T>C]CGGCTTCAGTGACTCCATCTCAGACAACAAATGCTGAAAATGCAATTTCATAGTTCAAAA-3'
Protein context (NP_892006.3, residues 5675-5695): LLSEMESLKP[Lys5685Glu]VQAVQLCQSA

ClinVar aggregate classification (germline): Uncertain significance (1 of 4 stars; one submission).

Conditions:
Emery-Dreifuss muscular dystrophy 4, autosomal dominant (EDMD4). Also called: EMERY-DREIFUSS MUSCULAR DYSTROPHY 4 WITH VARIABLE FEATURES. Identifiers: Orphanet 261, MedGen C2751807, MONDO:0013071, OMIM 612998.
Autosomal recessive ataxia, Beauce type. Also called: SYNE1 Deficiency; Spinocerebellar ataxia, autosomal recessive 8; ATAXIA, RECESSIVE, OF BEAUCE; SYNE1-Related Autosomal Recessive Cerebellar Ataxia. Identifiers: Orphanet 88644, MedGen C1853116, MONDO:0012549, OMIM 610743.

Allele frequency attached by ClinVar (database versions not stated): gnomAD 0.00001; gnomAD exomes 0.00001; TOPMed 0.00003; ExAC 0.00008.
gnomAD v4.1: 9 of 1,613,980 alleles (0.00056%); highest among the groups gnomAD compares: East Asian, 0.02%; no homozygotes.

Submission:

Labcorp Genetics (formerly Invitae), Labcorp
Classification: Uncertain significance for Emery-Dreifuss muscular dystrophy 4, autosomal dominant; Autosomal recessive ataxia, Beauce type. Last evaluated: 2025-06-09. Review status: criteria provided, single submitter. Criteria: Invitae Variant Classification Sherloc (09022015). Collection method: clinical testing. Allele origin: germline.
Comment: This sequence change replaces lysine, which is basic and polar, with glutamic acid, which is acidic and polar, at codon 5614 of the SYNE1 protein (p.Lys5614Glu). This variant is present in population databases (rs756501077, gnomAD 0.1%). This variant has not been reported in the literature in individuals affected with SYNE1-related conditions. ClinVar contains an entry for this variant (Variation ID: 2094779). An algorithm developed to predict the effect of missense changes on protein structure and function (PolyPhen-2) suggests that this variant is likely to be disruptive. In summary, the available evidence is currently insufficient to determine the role of this variant in disease. Therefore, it has been classified as a Variant of Uncertain Significance.